The following is an entry in ClinVar:

NM_002373.6(MAP1A):c.6226C>T (p.Pro2076Ser)

Gene: MAP1A (microtubule associated protein 1A; plus strand). Cytogenetic location: 15q15.3.
Variant type: single nucleotide variant.
Coding change: c.6226C>T on transcript NM_002373.6 (MANE Select); coding-DNA position 6226, C replaced by T.
Protein change: p.Pro2076Ser; replaces proline 2076 with serine.
Molecular consequence: missense variant.
Genome position (GRCh38, 1-based): chr15:43,527,699, C>T. VCF-style: chr15-43527699-C-T. GRCh37 (hg19) VCF-style: chr15-43819897-C-T.
Other names: c.6940C>T, p.Pro2314Ser (NM_001411089.1); short protein forms P2076S, P2314S.
Identifiers: ClinVar variation 3036453 (VCV003036453.2), dbSNP rs773400796, ClinGen allele CA392174515.

ClinVar aggregate classification (germline): Uncertain significance (0 of 4 stars; one submission).

Conditions:
MAP1A-related disorder. Also called: MAP1A-related condition.

gnomAD v4.1: 1 of 1,613,088 alleles (0.000062%); highest among the groups gnomAD compares: African/African-American, 0.0013%; no homozygotes.

Submission:

PreventionGenetics, part of Exact Sciences
Classification: Uncertain significance for MAP1A-related condition. Last evaluated: 2023-10-24. Review status: no assertion criteria provided. Collection method: clinical testing. Allele origin: germline.
Comment: The MAP1A c.6226C>T variant is predicted to result in the amino acid substitution p.Pro2076Ser. To our knowledge, this variant has not been reported in the literature or in a large population database, indicating this variant is rare. At this time, the clinical significance of this variant is uncertain due to the absence of conclusive functional and genetic evidence.